The following is an entry in ClinVar:

NM_015166.4(MLC1):c.806C>A (p.Ser269Tyr)

Gene: MLC1 (modulator of VRAC current 1; minus strand). Cytogenetic location: 22q13.33.
Variant type: single nucleotide variant.
Coding change: c.806C>A on transcript NM_015166.4 (MANE Select); coding-DNA position 806, C replaced by A.
Protein change: p.Ser269Tyr; replaces serine 269 with tyrosine.
Molecular consequence: missense variant. On other transcripts: non-coding transcript variant (3).
Genome position (GRCh38, 1-based): chr22:50,068,521, G>T on the plus strand (C>A on the coding strand, the complement: MLC1 is on the minus strand). VCF-style: chr22-50068521-G-T. GRCh37 (hg19) VCF-style: chr22-50506950-G-T.
Other names: c.806C>A, p.Ser269Tyr (NM_001376472.1, NM_001376473.1, NM_001376474.1 and 5 more transcripts); c.749C>A, p.Ser250Tyr (NM_001376479.1); c.716C>A, p.Ser239Tyr (NM_001376480.1); c.704C>A, p.Ser235Tyr (NM_001376481.1); c.650C>A, p.Ser217Tyr (NM_001376482.1, NM_001376483.1); c.569C>A, p.Ser190Tyr (NM_001376484.1); short protein forms S190Y, S217Y, S235Y, S239Y, S250Y, S269Y.
Identifiers: ClinVar variation 1331471 (VCV001331471.1), dbSNP rs528700157, ClinGen allele CA325485339.

ClinVar aggregate classification (germline): Uncertain significance (1 of 4 stars; one submission).

Allele frequency attached by ClinVar (database versions not stated): gnomAD exomes below 0.00001; gnomAD 0.00001; 1000 Genomes Project 30x 0.00016; 1000 Genomes Project 0.00020.
gnomAD v4.1: 1 of 1,613,306 alleles (0.000062%); highest among the groups gnomAD compares: East Asian, 0.0022%; no homozygotes.

Submission:

Women's Health and Genetics/Laboratory Corporation of America, LabCorp
Classification: Uncertain significance. Last evaluated: 2021-12-22. Review status: criteria provided, single submitter. Criteria: LabCorp Variant Classification Summary - May 2015. Collection method: clinical testing. Allele origin: germline.
Comment: Variant summary: MLC1 c.806C>A (p.Ser269Tyr) results in a non-conservative amino acid change in the encoded protein sequence. Five of five in-silico tools predict a damaging effect of the variant on protein function. The variant allele was found at a frequency of 4e-06 in 251468 control chromosomes (gnomAD). c.806C>A has been reported in the literature in a compound heterozygous individual affected with Megalencephalic Leukoencephalopathy with Subcortical Cysts 1 (Montagna_2006). Authors of this study reported experimental evidence evaluating an impact on protein function, and demonstrated that the variant resulted in a decrease in MLC1 protein level in Xenopus oocytes. The most pronounced variant effect resulted in 20-25% of the normal protein level. Of note, the 2nd missense variant reported in this patient was also tested by the authors, and similarly resulted in decreased MLC1 protein levels. No clinical diagnostic laboratories have submitted clinical-significance assessments for this variant to ClinVar after 2014. Based on the evidence outlined above, the variant was classified as VUS-possibly pathogenic.

Literature cited by the submitters: PubMed 20016818; PubMed 16470554; PubMed 23079554.